The following is an entry in ClinVar:

ClinVar aggregate classification (germline): Likely pathogenic (1 of 4 stars; one submission).

gnomAD v4.1: 8 of 1,614,018 alleles (0.0005%); highest among the groups gnomAD compares: African/African-American, 0.0027%; no homozygotes.

Submission:

GeneDx
Classification: Likely pathogenic. Last evaluated: 2022-10-14. Review status: criteria provided, single submitter. Criteria: GeneDx Variant Classification Process June 2021. Collection method: clinical testing. Allele origin: germline.
Comment: In silico analysis supports that this missense variant has a deleterious effect on protein structure/function; Missense variants in this gene are often considered pathogenic (HGMD); This variant is associated with the following publications: (PMID: Hatice Koak[Abstract])

NM_022336.4(EDAR):c.1198C>T (p.Arg400Cys)

Genes: EDAR (ectodysplasin A receptor; minus strand), RANBP2 (RAN binding protein 2; plus strand). Cytogenetic location: 2q13.
Variant type: single nucleotide variant.
Coding change: c.1198C>T on transcript NM_022336.4 (MANE Select); coding-DNA position 1198, C replaced by T.
Protein change: p.Arg400Cys; replaces arginine 400 with cysteine.
Molecular consequence: missense variant.
Genome position (GRCh38, 1-based): chr2:108,897,056, G>A on the plus strand (C>T on the coding strand, the complement: EDAR is on the minus strand). VCF-style: chr2-108897056-G-A. GRCh37 (hg19) VCF-style: chr2-109513512-G-A.
Other names: short protein forms R400C.
Identifiers: ClinVar variation 5016761 (VCV005016761.1).